The following is an entry in ClinVar:

ClinVar aggregate classification (germline): Uncertain significance (1 of 4 stars; one submission).

Conditions:
Catecholaminergic polymorphic ventricular tachycardia 1. Also called: VENTRICULAR TACHYCARDIA, STRESS-INDUCED POLYMORPHIC 1; VENTRICULAR TACHYCARDIA, CATECHOLAMINERGIC POLYMORPHIC, 1, WITH OR WITHOUT ATRIAL DYSFUNCTION AND/OR DILATED CARDIOMYOPATHY; RYR2-Related Catecholaminergic Polymorphic Ventricular Tachycardia. Identifiers: Orphanet 3286, MedGen C1631597, MONDO:0011484, OMIM 604772.

Submission:

Labcorp Genetics (formerly Invitae), Labcorp
Classification: Uncertain significance for Catecholaminergic polymorphic ventricular tachycardia 1. Last evaluated: 2024-10-02. Review status: criteria provided, single submitter. Criteria: Invitae Variant Classification Sherloc (09022015). Collection method: clinical testing. Allele origin: germline.
Comment: This sequence change replaces valine, which is neutral and non-polar, with isoleucine, which is neutral and non-polar, at codon 4697 of the RYR2 protein (p.Val4697Ile). This variant is not present in population databases (gnomAD no frequency). This variant has not been reported in the literature in individuals affected with RYR2-related conditions. An algorithm developed to predict the effect of missense changes on protein structure and function (PolyPhen-2) suggests that this variant is likely to be tolerated. In summary, the available evidence is currently insufficient to determine the role of this variant in disease. Therefore, it has been classified as a Variant of Uncertain Significance.

NM_001035.3(RYR2):c.14089G>A (p.Val4697Ile)

Gene: RYR2 (ryanodine receptor 2; plus strand). Cytogenetic location: 1q43.
Variant type: single nucleotide variant.
Coding change: c.14089G>A on transcript NM_001035.3 (MANE Select); coding-DNA position 14089, G replaced by A.
Protein change: p.Val4697Ile; replaces valine 4697 with isoleucine.
Molecular consequence: missense variant.
Genome position (GRCh38, 1-based): chr1:237,798,169, G>A. VCF-style: chr1-237798169-G-A. GRCh37 (hg19) VCF-style: chr1-237961469-G-A.
Other names: short protein forms V4697I.
Identifiers: ClinVar variation 3688424 (VCV003688424.2).
Genomic context (GRCh38, chr1:237,798,169, plus strand): 5'-CTGGACTTCAGTGATGCCAGAGAAAAGAAGAAGCCAAAGAAAGACAGCTCCTTATCAGCT[G>A]TGTAAGTGTTACTTCGGCTCTATCCTACAGACTTAGATTGAAAGGGGAAAACATTAATAC-3'
Protein context (NP_001026.2, residues 4687-4707): KPKKDSSLSA[Val4697Ile]LNSIDVKYQM